The following is an entry in ClinVar:

ClinVar aggregate classification (germline): Likely benign (1 of 4 stars; one submission).

Allele frequency attached by ClinVar (database versions not stated): gnomAD exomes below 0.00001 and 0.00001.
gnomAD v4.1: 2 of 1,211,542 alleles (0.00017%); highest among the groups gnomAD compares: South Asian, 0.0035%; no homozygotes.

Submission:

GeneDx
Classification: Likely benign. Last evaluated: 2017-03-27. Review status: criteria provided, single submitter. Criteria: GeneDx Variant Classification (06012015). Collection method: clinical testing. Allele origin: germline. Affected: yes.
Comment: This variant is considered likely benign or benign based on one or more of the following criteria: it is a conservative change, it occurs at a poorly conserved position in the protein, it is predicted to be benign by multiple in silico algorithms, and/or has population frequency not consistent with disease.

NM_003159.3(CDKL5):c.3021G>A (p.Leu1007=)

Genes: CDKL5 (cyclin dependent kinase like 5; plus strand), RS1 (retinoschisin 1; minus strand). Cytogenetic location: Xp22.13.
Variant type: single nucleotide variant.
Coding change: c.3021G>A on transcript NM_003159.3; coding-DNA position 3021, G replaced by A.
Protein change: p.Leu1007=; no amino-acid change (leucine 1007 retained).
Molecular consequence: synonymous variant. On other transcripts: intron variant (1).
Genome position (GRCh38, 1-based): chrX:18,653,472, G>A. VCF-style: chrX-18653472-G-A. GRCh37 (hg19) VCF-style: chrX-18671592-G-A.
Other names: c.3021G>A, p.Leu1007= (NM_001037343.2); c.184+3181C>T (NM_000330.4).
Identifiers: ClinVar variation 508125 (VCV000508125.3), dbSNP rs1183803130, ClinGen allele CA515477573.